The following is an entry in ClinVar:

NM_005720.4(ARPC1B):c.138C>G (p.His46Gln)

Gene: ARPC1B (actin related protein 2/3 complex subunit 1B; plus strand). Cytogenetic location: 7q22.1.
Variant type: single nucleotide variant.
Coding change: c.138C>G on transcript NM_005720.4 (MANE Select); coding-DNA position 138, C replaced by G.
Protein change: p.His46Gln; replaces histidine 46 with glutamine.
Molecular consequence: missense variant.
Genome position (GRCh38, 1-based): chr7:99,386,758, C>G. VCF-style: chr7-99386758-C-G. GRCh37 (hg19) VCF-style: chr7-98984381-C-G.
Other names: short protein forms H46Q.
Identifiers: ClinVar variation 2127341 (VCV002127341.4), dbSNP rs771770090, ClinGen allele CA368315384.

ClinVar aggregate classification (germline): Uncertain significance (1 of 4 stars; one submission).

Submission:

Labcorp Genetics (formerly Invitae), Labcorp
Classification: Uncertain significance. Last evaluated: 2022-06-07. Review status: criteria provided, single submitter. Criteria: Invitae Variant Classification Sherloc (09022015). Collection method: clinical testing. Allele origin: germline.
Comment: In summary, the available evidence is currently insufficient to determine the role of this variant in disease. Therefore, it has been classified as a Variant of Uncertain Significance. Algorithms developed to predict the effect of missense changes on protein structure and function are either unavailable or do not agree on the potential impact of this missense change (SIFT: "Tolerated"; PolyPhen-2: "Probably Damaging"; Align-GVGD: "Class C0"). This variant has not been reported in the literature in individuals affected with ARPC1B-related conditions. This variant is not present in population databases (gnomAD no frequency). This sequence change replaces histidine, which is basic and polar, with glutamine, which is neutral and polar, at codon 46 of the ARPC1B protein (p.His46Gln).